The following is an entry in ClinVar:

ClinVar aggregate classification (germline): Likely pathogenic (1 of 4 stars; one submission).

Submission:

Labcorp Genetics (formerly Invitae), Labcorp
Classification: Likely pathogenic. Last evaluated: 2018-11-29. Review status: criteria provided, single submitter. Criteria: Invitae Variant Classification Sherloc (09022015). Collection method: clinical testing. Allele origin: germline.
Comment: In summary, the currently available evidence indicates that the variant is pathogenic, but additional data are needed to prove that conclusively. Therefore, this variant has been classified as Likely Pathogenic. This variant disrupts the p.Ala82 amino acid residue in HSD3B2. Other variant(s) that disrupt this residue have been observed in individuals with HSD3B2-related conditions (PMID: 8185809, 10599696), suggesting that it is a clinically significant residue. As a result, variants that disrupt this residue are likely to be causative of disease. Experimental studies and prediction algorithms are not available for this variant, and the functional significance of the affected amino acid(s) is currently unknown. This variant has not been reported in the literature in individuals with HSD3B2-related conditions. This variant is an in-frame deletion of the genomic region encompassing exon 3 of the HSD3B2 gene. It preserves the integrity of the reading frame.

Literature cited by the submitters: PubMed 8185809; PubMed 10599696.

NC_000001.11:g.(?_119419408)_(119419592_?)del

Gene: HSD3B2 (hydroxy-delta-5-steroid dehydrogenase, 3 beta- and steroid delta-isomerase 2; plus strand). Cytogenetic location: 1p12.
Variant type: Deletion.
Identifiers: ClinVar variation 654097 (VCV000654097.7).